The following is an entry in ClinVar:

ClinVar aggregate classification (germline): Benign. Review status: criteria provided, multiple submitters, no conflicts (2 of 4 stars). 9 submissions from 9 submitters: Benign (7). 2 of the submissions do not count toward it. Last evaluated 2026-07-01.

Conditions:
Congenital myotonia, autosomal dominant form (THD). Also called: THOMSEN DISEASE; Myotonia congenita autosomal dominant. Identifiers: Orphanet 614, MedGen C2936781, MONDO:0008055, OMIM 160800.
Congenital myotonia, autosomal recessive form. Also called: Becker Generalized Myotonia; myotonia congenita, autosomal recessive; BECKER DISEASE. Identifiers: Orphanet 614, MedGen C0751360, MONDO:0009715, OMIM 255700.
Batten-Turner congenital myopathy. Also called: Congenital myotonia; Myotonia congenita. Identifiers: Orphanet 206973, MedGen C0027127, MONDO:0100468, OMIM 255300.

Allele frequency attached by ClinVar (database versions not stated): 1000 Genomes Project 0.00519; 1000 Genomes Project 30x 0.00593; gnomAD 0.00925 and 0.00927; TOPMed 0.00999; ESP Exome Variant Server 0.01000; gnomAD exomes 0.01092 and 0.01236; ExAC 0.01109.
gnomAD v4.1: 19,589 of 1,614,042 alleles (1.2%); highest among the groups gnomAD compares: Non-Finnish European, 1.3%; 171 homozygotes.

Submissions (9):

CeGaT Center for Human Genetics Tuebingen
Classification: Benign. Last evaluated: 2026-07-01. Review status: criteria provided, single submitter. Criteria: CeGaT Center For Human Genetics Tuebingen Variant Classification Criteria Version 2. Collection method: clinical testing. Allele origin: germline. Affected: yes. Observed: 5 variant alleles.
Comment: CLCN1: BP4, BS1, BS2

Labcorp Genetics (formerly Invitae), Labcorp
Classification: Benign for Congenital myotonia, autosomal recessive form; Congenital myotonia, autosomal dominant form. Last evaluated: 2026-02-04. Review status: criteria provided, single submitter. Criteria: Invitae Variant Classification Sherloc (09022015). Collection method: clinical testing. Allele origin: germline.

Athena Diagnostics
Classification: Benign. Last evaluated: 2025-05-08. Review status: criteria provided, single submitter. Criteria: Athena Diagnostics Criteria. Collection method: clinical testing. Allele origin: unknown.
Comment: The frequency of this variant in the general population is higher than would generally be expected for pathogenic variants in this gene.

Mayo Clinic Laboratories, Mayo Clinic
Classification: Benign. Last evaluated: 2018-02-28. Review status: criteria provided, single submitter. Criteria: ACMG Guidelines, 2015. Collection method: clinical testing. Allele origin: germline. Observed: 12 variant alleles.

Illumina Laboratory Services, Illumina
Classification: Benign for Myotonia congenita. Last evaluated: 2018-01-13. Review status: criteria provided, single submitter. Criteria: ICSL Variant Classification Criteria 13 December 2019. Collection method: clinical testing. Allele origin: germline.
Comment: This variant was observed in the ICSL laboratory as part of a predisposition screen in an ostensibly healthy population. It had not been previously curated by ICSL or reported in the Human Gene Mutation Database (HGMD: prior to June 1st, 2018), and was therefore a candidate for classification through an automated scoring system. Utilizing variant allele frequency, disease prevalence and penetrance estimates, and inheritance mode, an automated score was calculated to assess if this variant is too frequent to cause the disease. Based on the score and internal cut-off values, a variant classified as benign is not then subjected to further curation. The score for this variant resulted in a classification of benign for this disease.

GeneDx
Classification: Benign. Last evaluated: 2016-02-04. Review status: criteria provided, single submitter. Criteria: GeneDx Variant Classification (06012015). Collection method: clinical testing. Allele origin: germline. Affected: yes.
Comment: This variant is considered likely benign or benign based on one or more of the following criteria: it is a conservative change, it occurs at a poorly conserved position in the protein, it is predicted to be benign by multiple in silico algorithms, and/or has population frequency not consistent with disease.

Breakthrough Genomics
Classification: Benign. Review status: criteria provided, single submitter. Criteria: ACMG Guidelines, 2015. Collection method: not provided. Allele origin: germline. Inheritance: Autosomal recessive inheritance. Affected: yes.

Joint Genome Diagnostic Labs from Nijmegen and Maastricht, Radboudumc and MUMC+
Classification: Benign. Review status: no assertion criteria provided. Collection method: clinical testing. Allele origin: germline. Affected: yes. Study: VKGL Data-share Consensus. Not counted in ClinVar's aggregate classification.

Laboratory of Diagnostic Genome Analysis, Leiden University Medical Center (LUMC)
Classification: Benign. Review status: no assertion criteria provided. Collection method: clinical testing. Allele origin: germline. Affected: yes. Study: VKGL Data-share Consensus. Not counted in ClinVar's aggregate classification.

Literature cited by the submitters: PubMed 23408874 (cited by Athena Diagnostics); PubMed 8533761 (cited by Athena Diagnostics); PubMed 12661046 (cited by Athena Diagnostics); PubMed 10430417 (cited by Athena Diagnostics); PubMed 11933197 (cited by Athena Diagnostics); PubMed 8857727 (cited by Athena Diagnostics); PubMed 9736777 (cited by Athena Diagnostics).

NM_000083.3(CLCN1):c.1309G>A (p.Ala437Thr)

Gene: CLCN1 (chloride voltage-gated channel 1; plus strand). Cytogenetic location: 7q34.
Variant type: single nucleotide variant.
Coding change: c.1309G>A on transcript NM_000083.3 (MANE Select); coding-DNA position 1309, G replaced by A.
Protein change: p.Ala437Thr; replaces alanine 437 with threonine.
Molecular consequence: missense variant.
Genome position (GRCh38, 1-based): chr7:143,332,781, G>A. VCF-style: chr7-143332781-G-A. GRCh37 (hg19) VCF-style: chr7-143029874-G-A.
Other names: short protein forms A437T.
Identifiers: ClinVar variation 359109 (VCV000359109.26), dbSNP rs41276054, ClinGen allele CA4537318.